The following is an entry in ClinVar:

ClinVar aggregate classification (germline): Uncertain significance (1 of 4 stars; one submission).

Conditions:
Baller-Gerold syndrome (BGS). Also called: CRANIOSYNOSTOSIS WITH RADIAL DEFECTS. Identifiers: Orphanet 1225, MedGen C0265308, MONDO:0009039, OMIM 218600.

gnomAD v4.1: 2 of 1,501,680 alleles (0.00013%); highest among the groups gnomAD compares: Non-Finnish European, 0.00018%; no homozygotes.

Submission:

Labcorp Genetics (formerly Invitae), Labcorp
Classification: Uncertain significance for Baller-Gerold syndrome. Last evaluated: 2025-05-24. Review status: criteria provided, single submitter. Criteria: Invitae Variant Classification Sherloc (09022015). Collection method: clinical testing. Allele origin: germline.
Comment: This sequence change falls in intron 12 of the RECQL4 gene. It does not directly change the encoded amino acid sequence of the RECQL4 protein. It affects a nucleotide within the consensus splice site. This variant is not present in population databases (gnomAD no frequency). This variant has not been reported in the literature in individuals affected with RECQL4-related conditions. ClinVar contains an entry for this variant (Variation ID: 1398243). Variants that disrupt the consensus splice site are a relatively common cause of aberrant splicing (PMID: 17576681, 9536098). Algorithms developed to predict the effect of sequence changes on RNA splicing suggest that this variant may disrupt the consensus splice site. In summary, the available evidence is currently insufficient to determine the role of this variant in disease. Therefore, it has been classified as a Variant of Uncertain Significance.

Literature cited by the submitters: PubMed 17576681; PubMed 9536098.

NM_004260.4(RECQL4):c.2058+5G>C

Gene: RECQL4 (RecQ like helicase 4; minus strand). Cytogenetic location: 8q24.3.
Variant type: single nucleotide variant.
Coding change: c.2058+5G>C on transcript NM_004260.4 (MANE Select); 5 bases into the intron after coding-DNA position 2058, G replaced by C.
Molecular consequence: intron variant.
Genome position (GRCh38, 1-based): chr8:144,513,923, C>G on the plus strand (G>C on the coding strand, the complement: RECQL4 is on the minus strand). VCF-style: chr8-144513923-C-G. GRCh37 (hg19) VCF-style: chr8-145739307-C-G.
Identifiers: ClinVar variation 1398243 (VCV001398243.6), dbSNP rs1041802349, ClinGen allele CA1826367170.